The following is an entry in ClinVar:

NM_000492.4(CFTR):c.1709T>A (p.Leu570Ter)

Gene: CFTR (CF transmembrane conductance regulator; plus strand). Cytogenetic location: 7q31.2.
Variant type: single nucleotide variant.
Coding change: c.1709T>A on transcript NM_000492.4 (MANE Select); coding-DNA position 1709, T replaced by A.
Protein change: p.Leu570Ter; replaces leucine 570 with a stop codon.
Molecular consequence: nonsense.
Genome position (GRCh38, 1-based): chr7:117,590,382, T>A. VCF-style: chr7-117590382-T-A. GRCh37 (hg19) VCF-style: chr7-117230436-T-A.
Other names: short protein forms L570*.
Identifiers: ClinVar variation 2573426 (VCV002573426.1), dbSNP rs2485107328, ClinGen allele CA368977136.
Genomic context (GRCh38, chr7:117,590,382, plus strand): 5'-AAATGTAATTTAATTTCCATTTTCTTTTTAGAGCAGTATACAAAGATGCTGATTTGTATT[T>A]ATTAGACTCTCCTTTTGGATACCTAGATGTTTTAACAGAAAAAGAAATATTTGAAAGGTA-3'

ClinVar aggregate classification (germline): Pathogenic (1 of 4 stars; one submission).

Conditions:
Cystic fibrosis (CF). Also called: MUCOVISCIDOSIS. Identifiers: Orphanet 586, MedGen C0010674, MONDO:0009061, OMIM 219700. Disease mechanism: loss of function.

Submission:

Women's Health and Genetics/Laboratory Corporation of America, LabCorp
Classification: Pathogenic for Cystic fibrosis. Last evaluated: 2023-06-07. Review status: criteria provided, single submitter. Criteria: LabCorp Variant Classification Summary - May 2015. Collection method: clinical testing. Allele origin: germline.
Comment: Variant summary: CFTR c.1709T>A (p.Leu570X) results in a premature termination codon, predicted to cause a truncation of the encoded protein or absence of the protein due to nonsense mediated decay, which are commonly known mechanisms for disease. The variant was absent in 250474 control chromosomes in GnomAD. c.1709T>A has been reported in a compound heterozygous state with a common pathogenic variant F508del (DV) in an individual affected with Cystic Fibrosis (Dayanga-Erden_2020). To our knowledge, no experimental evidence demonstrating an impact on protein function has been reported. The following publication has been ascertained in the context of this evaluation (PMID: 32687833). No clinical diagnostic laboratories have submitted clinical-significance assessments for this variant to ClinVar after 2014. Based on the evidence outlined above, the variant was classified as pathogenic.

Literature cited by the submitters: PubMed 32687833.